The following is an entry in ClinVar:

ClinVar aggregate classification (germline): Uncertain significance (1 of 4 stars; one submission).

Allele frequency attached by ClinVar (database versions not stated): gnomAD exomes below 0.00001; ExAC 0.00001.
gnomAD v4.1: 1 of 1,614,186 alleles (0.000062%); highest among the groups gnomAD compares: Non-Finnish European, 0.000085%; no homozygotes.

Submission:

Ambry Genetics
Classification: Uncertain significance. Last evaluated: 2023-11-23. Review status: criteria provided, single submitter. Criteria: Ambry Variant Classification Scheme 2023. Collection method: clinical testing. Allele origin: germline.
Comment: The p.H785P variant (also known as c.2354A>C), located in coding exon 12 of the PALLD gene, results from an A to C substitution at nucleotide position 2354. The histidine at codon 785 is replaced by proline, an amino acid with similar properties. This amino acid position is conserved. In addition, the in silico prediction for this alteration is inconclusive. Since supporting evidence is limited at this time, the clinical significance of this alteration remains unclear.

NM_001166108.2(PALLD):c.2405A>C (p.His802Pro)

Genes: CBR4 (carbonyl reductase 4; minus strand), PALLD (palladin, cytoskeletal associated protein; plus strand). Cytogenetic location: 4q32.3.
Variant type: single nucleotide variant.
Coding change: c.2405A>C on transcript NM_001166108.2 (MANE Select); coding-DNA position 2405, A replaced by C.
Protein change: p.His802Pro; replaces histidine 802 with proline.
Molecular consequence: missense variant.
Genome position (GRCh38, 1-based): chr4:168,898,647, A>C. VCF-style: chr4-168898647-A-C. GRCh37 (hg19) VCF-style: chr4-169819798-A-C.
Other names: c.1208A>C, p.His403Pro (NM_001166109.2); c.893A>C, p.His298Pro (NM_001166110.2); c.233A>C, p.His78Pro (NM_001367567.1, NM_001367569.1); c.284A>C, p.His95Pro (NM_001367568.1, NM_001367570.1); c.2354A>C, p.His785Pro (NM_016081.4); short protein forms H298P, H78P, H403P, H95P, H785P, H802P.
Identifiers: ClinVar variation 1790050 (VCV001790050.2), dbSNP rs750417197, ClinGen allele CA3135880.